The following is an entry in ClinVar:

ClinVar aggregate classification (germline): Uncertain significance (1 of 4 stars; one submission).

Submission:

CeGaT Center for Human Genetics Tuebingen
Classification: Uncertain significance. Last evaluated: 2023-10-01. Review status: criteria provided, single submitter. Criteria: CeGaT Center For Human Genetics Tuebingen Variant Classification Criteria Version 2. Collection method: clinical testing. Allele origin: germline. Affected: yes. Observed: 1 variant allele.
Comment: USP9X: PM2

NM_001039591.3(USP9X):c.2915T>G (p.Met972Arg)

Gene: USP9X (ubiquitin specific peptidase 9 X-linked; plus strand). Cytogenetic location: Xp11.4.
Variant type: single nucleotide variant.
Coding change: c.2915T>G on transcript NM_001039591.3 (MANE Select); coding-DNA position 2915, T replaced by G.
Protein change: p.Met972Arg; replaces methionine 972 with arginine.
Molecular consequence: missense variant.
Genome position (GRCh38, 1-based): chrX:41,170,507, T>G. VCF-style: chrX-41170507-T-G. GRCh37 (hg19) VCF-style: chrX-41029760-T-G.
Other names: c.2915T>G, p.Met972Arg (NM_001039590.3); c.2930T>G, p.Met977Arg (NM_001410748.1, NM_001410749.1); short protein forms M972R, M977R.
Identifiers: ClinVar variation 2660325 (VCV002660325.24), dbSNP rs2519227018, ClinGen allele CA412759305.